The following is an entry in ClinVar:

ClinVar aggregate classification (germline): Pathogenic (1 of 4 stars; one submission).

Conditions:
Ataxia-telangiectasia syndrome (AT). Also called: ATAXIA-TELANGIECTASIA, COMPLEMENTATION GROUP A; ATAXIA-TELANGIECTASIA, FRESNO VARIANT; Ataxia-telangiectasia, complementation group D; LOUIS-BAR SYNDROME; AT, COMPLEMENTATION GROUP C; Ataxia-telangiectasia. Identifiers: Orphanet 100, MedGen C0004135, MONDO:0008840, OMIM 208900.

Submission:

Labcorp Genetics (formerly Invitae), Labcorp
Classification: Pathogenic for Ataxia-telangiectasia syndrome. Last evaluated: 2024-04-01. Review status: criteria provided, single submitter. Criteria: Invitae Variant Classification Sherloc (09022015). Collection method: clinical testing. Allele origin: germline.
Comment: This sequence change creates a premature translational stop signal (p.Asn1243Lysfs*3) in the ATM gene. It is expected to result in an absent or disrupted protein product. Loss-of-function variants in ATM are known to be pathogenic (PMID: 23807571, 25614872). This variant is not present in population databases (gnomAD no frequency). This variant has not been reported in the literature in individuals affected with ATM-related conditions. For these reasons, this variant has been classified as Pathogenic.

Literature cited by the submitters: PubMed 23807571; PubMed 25614872.

NM_000051.4(ATM):c.3728dup (p.Asn1243fs)

Gene: ATM (ATM serine/threonine kinase; plus strand). Cytogenetic location: 11q22.3.
Variant type: Duplication.
Coding change: c.3728dup on transcript NM_000051.4 (MANE Select); coding-DNA position 3728, one base duplicated (A; older notation c.3728dupA).
Protein change: p.Asn1243fs; shifts the reading frame from asparagine 1243.
Molecular consequence: frameshift variant.
Genome position (GRCh38, 1-based): chr11:108,282,861, A duplicated; the last of 3 consecutive A bases (chr11:108,282,859-108,282,861); duplicating any one gives the same sequence. VCF-style (leftmost placement, unchanged base first): chr11-108282858-C-CA. GRCh37 (hg19) VCF-style: chr11-108153585-C-CA.
Other names: c.3728dup, p.Asn1243fs (NM_001351834.2); short protein forms N1243fs.
Identifiers: ClinVar variation 2704852 (VCV002704852.3), dbSNP rs2546880503, ClinGen allele CA2697556363.
Genomic context (GRCh38, chr11:108,282,858, plus strand): 5'-TAAATCTTCAAGATACTGAATACAACTTATCTTCTTTTCCTTTTATTTTATTAAACTACA[C>CA]AAATATTGAGGATTTCTATAGGTAAGTTTATACATGACATATGTGAAATTTGTTTAATTT-3'